The following is an entry in ClinVar:

NM_005633.4(SOS1):c.3511-14_3511-10del

Gene: SOS1 (SOS Ras/Rac guanine nucleotide exchange factor 1; minus strand). Cytogenetic location: 2p22.1.
Variant type: Deletion.
Coding change: c.3511-14_3511-10del on transcript NM_005633.4 (MANE Select); 14 bases into the intron before coding-DNA position 3511 through 10 bases into the intron before coding-DNA position 3511, 5 bases deleted (TTTTC; older notation c.3511-14_3511-10delTTTTC).
Molecular consequence: intron variant.
Genome position (GRCh38, 1-based): chr2:38,986,325-38,986,329, GAAAA deleted on the plus strand (TTTTC on the coding strand, the reverse complement: SOS1 is on the minus strand); deleting any 5 consecutive bases within chr2:38,986,325-38,986,332 gives the same sequence; the c. name uses the placement nearest the transcript's 3' end. VCF-style (leftmost placement, unchanged base first): chr2-38986324-TGAAAA-T. GRCh37 (hg19) VCF-style: chr2-39213465-TGAAAA-T.
Other names: c.3490-14_3490-10del (NM_001382394.1); c.3466-14_3466-10del (NM_001382395.1); c.3511-14_3511-10delTTTTC (NM_005633.3).
Identifiers: ClinVar variation 418501 (VCV000418501.10), dbSNP rs760713912, ClinGen allele CA1624155.

ClinVar aggregate classification (germline): Conflicting classifications of pathogenicity. Review status: criteria provided, conflicting classifications (1 of 4 stars). 3 submissions from 3 submitters: Uncertain significance (1); Likely benign (2). Last evaluated 2026-01-28.

Conditions:
RASopathy. Also called: Noonan spectrum disorder; rasopathies. Identifiers: Orphanet 536391, MedGen C5555857, MONDO:0021060.

Submissions (3):

Labcorp Genetics (formerly Invitae), Labcorp
Classification: Uncertain significance for RASopathy. Last evaluated: 2026-01-28. Review status: criteria provided, single submitter. Criteria: Invitae Variant Classification Sherloc (09022015). Collection method: clinical testing. Allele origin: germline.
Comment: This sequence change falls in intron 22 of the SOS1 gene. It does not directly change the encoded amino acid sequence of the SOS1 protein. This variant is present in population databases (rs760713912, gnomAD 0.005%). This variant has not been reported in the literature in individuals affected with SOS1-related conditions. ClinVar contains an entry for this variant (Variation ID: 418501). Algorithms developed to predict the effect of sequence changes on RNA splicing suggest that this variant may disrupt the consensus splice site. In summary, the available evidence is currently insufficient to determine the role of this variant in disease. Therefore, it has been classified as a Variant of Uncertain Significance.

Blueprint Genetics
Classification: Likely benign. Last evaluated: 2024-03-25. Review status: criteria provided, single submitter. Criteria: ACMG Guidelines, 2015. Collection method: clinical testing. Allele origin: germline.

GeneDx
Classification: Likely benign. Last evaluated: 2022-10-24. Review status: criteria provided, single submitter. Criteria: GeneDx Variant Classification Process June 2021. Collection method: clinical testing. Allele origin: germline. Affected: yes.
Comment: See Variant Classification Assertion Criteria.